The following is an entry in ClinVar:

NM_138701.4(MPLKIP):c.198_199del (p.Pro67fs)

Genes: MPLKIP (M-phase specific PLK1 interacting protein; minus strand), LOC129998295 (ATAC-STARR-seq lymphoblastoid silent region 18117; plus strand). Cytogenetic location: 7p14.1.
Variant type: Microsatellite.
Coding change: c.198_199del on transcript NM_138701.4 (MANE Select); coding-DNA positions 198 to 199, 2 bases deleted (TC; older notation c.198_199delTC).
Protein change: p.Pro67fs; shifts the reading frame from proline 67.
Molecular consequence: frameshift variant.
Genome position (GRCh38, 1-based): chr7:40,134,369-40,134,370, GA deleted on the plus strand (TC on the coding strand, the reverse complement: MPLKIP is on the minus strand); deleting any 2 consecutive bases within chr7:40,134,369-40,134,373 gives the same sequence; the c. name uses the placement nearest the transcript's 3' end. VCF-style (leftmost placement, unchanged base first): chr7-40134368-GGA-G. GRCh37 (hg19) VCF-style: chr7-40173967-GGA-G.
Other names: short protein forms P67fs.
Identifiers: ClinVar variation 3382053 (VCV003382053.2).

ClinVar aggregate classification (germline): Likely pathogenic (1 of 4 stars; one submission).

Conditions:
Trichothiodystrophy 4, nonphotosensitive. Also called: Trichothiodystrophy nonphotosensitive; AMISH BRITTLE HAIR BRAIN SYNDROME; HAIR-BRAIN SYNDROME; BIDS SYNDROME. Identifiers: MedGen C1313961, MONDO:0021013, OMIM 234050.

Submission:

Juno Genomics, Hangzhou Juno Genomics, Inc
Classification: Likely pathogenic for Trichothiodystrophy 4, nonphotosensitive. Review status: criteria provided, single submitter. Criteria: ACMG Guidelines, 2015. Collection method: clinical testing. Allele origin: germline. Affected: yes.
Comment: Absent from controls (or at extremely low frequency if recessive) in Genome Aggregation Database, Exome Sequencing Project, 1000 Genomes Project, or Exome Aggregation Consortium.;Null variant in a gene where loss of function (LOF) is a known mechanism of disease.